The following is an entry in ClinVar:

ClinVar aggregate classification (germline): Uncertain significance (1 of 4 stars; one submission).

Conditions:
Hereditary cancer-predisposing syndrome. Also called: Tumor predisposition; Neoplastic Syndromes, Hereditary; Hereditary Cancer Syndrome; Hereditary neoplastic syndrome. Identifiers: Orphanet 140162, MedGen C0027672, MeSH D009386, MONDO:0015356.

Submission:

Ambry Genetics
Classification: Uncertain significance for Hereditary cancer-predisposing syndrome. Last evaluated: 2022-08-02. Review status: criteria provided, single submitter. Criteria: Ambry Variant Classification Scheme 2023. Collection method: clinical testing. Allele origin: germline.
Comment: The p.T2059K variant (also known as c.6176C>A), located in coding exon 41 of the ATM gene, results from a C to A substitution at nucleotide position 6176. The threonine at codon 2059 is replaced by lysine, an amino acid with similar properties. This amino acid position is highly conserved in available vertebrate species. In addition, this alteration is predicted to be tolerated by in silico analysis. Since supporting evidence is limited at this time, the clinical significance of this alteration remains unclear.

NM_000051.4(ATM):c.6176C>A (p.Thr2059Lys)

Genes: ATM (ATM serine/threonine kinase; plus strand), C11orf65 (chromosome 11 open reading frame 65; minus strand). Cytogenetic location: 11q22.3.
Variant type: single nucleotide variant.
Coding change: c.6176C>A on transcript NM_000051.4 (MANE Select); coding-DNA position 6176, C replaced by A.
Protein change: p.Thr2059Lys; replaces threonine 2059 with lysine.
Molecular consequence: missense variant. On other transcripts: intron variant (2).
Genome position (GRCh38, 1-based): chr11:108,316,091, C>A. VCF-style: chr11-108316091-C-A. GRCh37 (hg19) VCF-style: chr11-108186818-C-A.
Other names: c.6176C>A, p.Thr2059Lys (NM_001351834.2); c.641-7020G>T (NM_001330368.2); c.*39-7020G>T (NM_001351110.2); short protein forms T2059K.
Identifiers: ClinVar variation 826223 (VCV000826223.6), dbSNP rs144761622, ClinGen allele CA382550704.
Genomic context (GRCh38, chr11:108,316,091, plus strand): 5'-AAGCAATGTGGGGCAAAGCCCTAGTAACATATGACCTCGAAACAGCAATCCCCTCATCAA[C>A]ACGCCAGGCAGGAATCATTCAGGTACATTTTTTCCCAGATTTGGTAAAGCCATCACTAGT-3'
Protein context (NP_000042.3, residues 2049-2069): YDLETAIPSS[Thr2059Lys]RQAGIIQALQ